The following is an entry in ClinVar:

NM_001009944.3(PKD1):c.4876G>A (p.Val1626Ile)

Gene: PKD1 (polycystin 1, transient receptor potential channel interacting; minus strand). Cytogenetic location: 16p13.3.
Variant type: single nucleotide variant.
Coding change: c.4876G>A on transcript NM_001009944.3 (MANE Select); coding-DNA position 4876, G replaced by A.
Protein change: p.Val1626Ile; replaces valine 1626 with isoleucine.
Molecular consequence: missense variant.
Genome position (GRCh38, 1-based): chr16:2,110,291, C>T on the plus strand (G>A on the coding strand, the complement: PKD1 is on the minus strand). VCF-style: chr16-2110291-C-T. GRCh37 (hg19) VCF-style: chr16-2160292-C-T.
Other names: c.4876G>A, p.Val1626Ile (NM_000296.4); short protein forms V1626I.
Identifiers: ClinVar variation 3213481 (VCV003213481.3), dbSNP rs764356283, ClinGen allele CA7832208.
Genomic context (GRCh38, chr16:2,110,291, plus strand): 5'-TGGGGAAGTAGCGGCCACCGCCCACCACCTGCAGCCCCTCTATGAGCTGCAGGACATAGA[C>T]GAAGATGCTGTCCTGGGCGGAGCCCACCTCGTTCTCAGCCGTGACGATGATATTGAAGGT-3'
Protein context (NP_001009944.3, residues 1616-1636): EVGSAQDSIF[Val1626Ile]YVLQLIEGLQ

ClinVar aggregate classification (germline): Conflicting classifications of pathogenicity. Review status: criteria provided, conflicting classifications (1 of 4 stars). 3 submissions from 3 submitters: Uncertain significance (2); Likely benign (1). Last evaluated 2026-07-02.

Conditions:
PKD1-related disorder. Also called: PKD1-related condition.
Polycystic kidney disease, adult type (PKD1). Also called: Polycystic Kidney Disease 1, Autosomal Dominant; Polycystic kidney disease 1; Polycystic kidney disease 1, severe; POLYCYSTIC KIDNEY DISEASE, ADULT, TYPE I; Polycystic Kidney, Autosomal Dominant; POLYCYSTIC KIDNEY DISEASE 1 WITH OR WITHOUT POLYCYSTIC LIVER DISEASE. Identifiers: MedGen C3149841, MONDO:0008263, OMIM 173900.
Inborn genetic diseases. Identifiers: MedGen C0950123, MeSH D030342.

Allele frequency attached by ClinVar (database versions not stated): gnomAD exomes 0.00001; ExAC 0.00002; gnomAD 0.00003; TOPMed 0.00003.
gnomAD v4.1: 30 of 1,612,514 alleles (0.0019%); highest among the groups gnomAD compares: East Asian, 0.013%; no homozygotes.

Submissions (3):

PreventionGenetics, part of Exact Sciences
Classification: Uncertain significance for PKD1-related condition. Last evaluated: 2026-07-02. Review status: criteria provided, single submitter. Criteria: ACMG Guidelines, 2015. Collection method: clinical testing. Allele origin: germline.
Comment: The PKD1 c.4876G>A variant is predicted to result in the amino acid substitution p.Val1626Ile. To our knowledge, this variant has not been reported in the literature. This variant is reported in 0.0098% of alleles in individuals of South Asian descent in gnomAD v2. However, in gnomAD v4 (available only on GRCh38), this variant is reported in 0.018% of alleles in a subpopulation. This population data is not consistent with this variant being a primary cause of disease. Although we suspect that this variant may be benign, at this time, the clinical significance of this variant is uncertain due to the absence of conclusive functional and genetic evidence.

Ambry Genetics
Classification: Likely benign for Inborn genetic diseases. Last evaluated: 2023-12-08. Review status: criteria provided, single submitter. Criteria: Ambry Variant Classification Scheme 2023. Collection method: clinical testing. Allele origin: germline.

Department of Pathology and Laboratory Medicine, Sinai Health System
Classification: Uncertain significance for Polycystic kidney disease, adult type. Last evaluated: 2022-06-14. Review status: criteria provided, single submitter. Criteria: ACMG Guidelines, 2015. Collection method: clinical testing. Allele origin: germline.